The following is an entry in ClinVar:

ClinVar aggregate classification (germline): Uncertain significance (1 of 4 stars; one submission).

gnomAD v4.1: 17 of 1,553,368 alleles (0.0011%); highest among the groups gnomAD compares: Non-Finnish European, 0.0015%; no homozygotes.

Submission:

Labcorp Genetics (formerly Invitae), Labcorp
Classification: Uncertain significance. Last evaluated: 2025-11-03. Review status: criteria provided, single submitter. Criteria: Invitae Variant Classification Sherloc (09022015). Collection method: clinical testing. Allele origin: germline.
Comment: This sequence change replaces threonine, which is neutral and polar, with isoleucine, which is neutral and non-polar, at codon 39 of the ARIH1 protein (p.Thr39Ile). This variant is present in population databases (rs751293008, gnomAD 0.002%). This variant has not been reported in the literature in individuals affected with ARIH1-related conditions. ClinVar contains an entry for this variant (Variation ID: 2176422). Experimental studies and prediction algorithms are not available or were not evaluated, and the functional significance of this variant is currently unknown. In summary, the available evidence is currently insufficient to determine the role of this variant in disease. Therefore, it has been classified as a Variant of Uncertain Significance.

NM_005744.5(ARIH1):c.116C>T (p.Thr39Ile)

Gene: ARIH1 (ariadne RBR E3 ubiquitin protein ligase 1; plus strand). Cytogenetic location: 15q24.1.
Variant type: single nucleotide variant.
Coding change: c.116C>T on transcript NM_005744.5 (MANE Select); coding-DNA position 116, C replaced by T.
Protein change: p.Thr39Ile; replaces threonine 39 with isoleucine.
Molecular consequence: missense variant.
Genome position (GRCh38, 1-based): chr15:72,474,755, C>T. VCF-style: chr15-72474755-C-T. GRCh37 (hg19) VCF-style: chr15-72767096-C-T.
Other names: short protein forms T39I.
Identifiers: ClinVar variation 2176422 (VCV002176422.4), dbSNP rs751293008, ClinGen allele CA7645423.
Genomic context (GRCh38, chr15:72,474,755, plus strand): 5'-AGGAGGACAGCGGCGCCGAGGAGGAGGAGGACGAAGACGACGACGAGCCGGACGATGATA[C>T]CCTGGATCTGGGCGAGGTGGAGCTGGTGGAGCCCGGGCTGGGCGTCGGCGGGGAGCGGGA-3'
Protein context (NP_005735.2, residues 29-49): DEDDDEPDDD[Thr39Ile]LDLGEVELVE